The following is an entry in ClinVar:

ClinVar aggregate classification (germline): Uncertain significance. Review status: criteria provided, multiple submitters, no conflicts (2 of 4 stars). 3 submissions from 3 submitters: Uncertain significance (3). Last evaluated 2025-05-03.

gnomAD v4.1: 5 of 1,612,804 alleles (0.00031%); highest among the groups gnomAD compares: East Asian, 0.0067%; no homozygotes.

Submissions (3):

Labcorp Genetics (formerly Invitae), Labcorp
Classification: Uncertain significance. Last evaluated: 2025-05-03. Review status: criteria provided, single submitter. Criteria: Invitae Variant Classification Sherloc (09022015). Collection method: clinical testing. Allele origin: germline.
Comment: This sequence change replaces serine, which is neutral and polar, with tyrosine, which is neutral and polar, at codon 280 of the RECQL protein (p.Ser280Tyr). This variant is not present in population databases (gnomAD no frequency). This variant has not been reported in the literature in individuals affected with RECQL-related conditions. ClinVar contains an entry for this variant (Variation ID: 941100). Invitae Evidence Modeling of protein sequence and biophysical properties (such as structural, functional, and spatial information, amino acid conservation, physicochemical variation, residue mobility, and thermodynamic stability) indicates that this missense variant is expected to disrupt RECQL protein function with a positive predictive value of 80%. In summary, the available evidence is currently insufficient to determine the role of this variant in disease. Therefore, it has been classified as a Variant of Uncertain Significance.

GeneDx
Classification: Uncertain significance. Last evaluated: 2024-11-26. Review status: criteria provided, single submitter. Criteria: GeneDx Variant Classification Process June 2021. Collection method: clinical testing. Allele origin: germline. Affected: yes.
Comment: Has not been previously published as pathogenic or benign to our knowledge; Not observed at significant frequency in large population cohorts (gnomAD); In silico analysis supports that this missense variant has a deleterious effect on protein structure/function; Variants in candidate genes are classified as variants of uncertain significance in accordance with ACMG guidelines (PMID: 25741868); This variant is associated with the following publications: (PMID: 19151156, 27248010)

Ambry Genetics
Classification: Uncertain significance. Last evaluated: 2024-11-23. Review status: criteria provided, single submitter. Criteria: Ambry Variant Classification Scheme 2023. Collection method: clinical testing. Allele origin: germline.
Comment: The p.S280Y variant (also known as c.839C>A), located in coding exon 6 of the RECQL gene, results from a C to A substitution at nucleotide position 839. The serine at codon 280 is replaced by tyrosine, an amino acid with dissimilar properties. This amino acid position is highly conserved in available vertebrate species. In addition, the in silico prediction for this alteration is inconclusive. The evidence for this gene-disease relationship is limited; therefore, the clinical significance of this alteration is unclear.

NM_002907.4(RECQL):c.839C>A (p.Ser280Tyr)

Gene: RECQL (RecQ like helicase; minus strand). Cytogenetic location: 12p12.1.
Variant type: single nucleotide variant.
Coding change: c.839C>A on transcript NM_002907.4 (MANE Select); coding-DNA position 839, C replaced by A.
Protein change: p.Ser280Tyr; replaces serine 280 with tyrosine.
Molecular consequence: missense variant.
Genome position (GRCh38, 1-based): chr12:21,477,831, G>T on the plus strand (C>A on the coding strand, the complement: RECQL is on the minus strand). VCF-style: chr12-21477831-G-T. GRCh37 (hg19) VCF-style: chr12-21630765-G-T.
Other names: c.839C>A, p.Ser280Tyr (NM_032941.3); short protein forms S280Y.
Identifiers: ClinVar variation 941100 (VCV000941100.16), dbSNP rs748146458, ClinGen allele CA384124080.
Genomic context (GRCh38, chr12:21,477,831, plus strand): 5'-AAAAGTAAGGAATTGACATAAAAATTACATACCTCATAATATAGATTTGGCCTATTAAAA[G>T]AAGCTGTAAAAGTAAAACACTTTTCAATGCACAAAATTTTCTGAGCATCCGTCAAAACGT-3'
Protein context (NP_002898.2, residues 270-290): CIEKCFTFTA[Ser280Tyr]FNRPNLYYEV